The following is an entry in ClinVar:

ClinVar aggregate classification (germline): Uncertain significance. Review status: criteria provided, multiple submitters, no conflicts (2 of 4 stars). 3 submissions from 3 submitters: Uncertain significance (3). Last evaluated 2024-03-06.

Conditions:
Cardiomyopathy (CMYO). Also called: Cardiomyopathies. Identifiers: Orphanet 167848, MedGen C0878544, MONDO:0004994, HP:0001638. Inheritance: Various modes of inheritance.
Cardiovascular phenotype. Identifiers: MedGen CN230736.
Hypertrophic cardiomyopathy. Also called: HYPERTROPHIC MYOCARDIOPATHY. Identifiers: Orphanet 217569, MedGen C0007194, MeSH D002312, MONDO:0005045, HP:0001639.

Allele frequency attached by ClinVar (database versions not stated): gnomAD exomes below 0.00001; TOPMed 0.00001.
gnomAD v4.1: 1 of 1,614,232 alleles (0.000062%); highest among the groups gnomAD compares: Non-Finnish European, 0.000085%; no homozygotes.

Submissions (3):

Color Diagnostics, LLC DBA Color Health
Classification: Uncertain significance for Cardiomyopathy. Last evaluated: 2024-03-06. Review status: criteria provided, single submitter. Criteria: ACMG Guidelines, 2015. Collection method: clinical testing. Allele origin: germline.
Comment: This missense variant replaces asparagine with tyrosine at codon 124 of the MYL3 protein. Computational prediction suggests that this variant may not impact protein structure and function (internally defined REVEL score threshold <= 0.5, PMID: 27666373). To our knowledge, functional studies have not been reported for this variant. This variant has not been reported in individuals affected with MYL3-related disorders in the literature. This variant has not been identified in the general population by the Genome Aggregation Database (gnomAD). The available evidence is insufficient to determine the role of this variant in disease conclusively. Therefore, this variant is classified as a Variant of Uncertain Significance.

All of Us Research Program, National Institutes of Health
Classification: Uncertain significance for Hypertrophic cardiomyopathy. Last evaluated: 2023-10-06. Review status: criteria provided, single submitter. Criteria: ACMG Guidelines, 2015. Collection method: clinical testing. Allele origin: germline. Inheritance: Autosomal dominant inheritance. Observed: 2 variant alleles, 2 heterozygotes.
Comment: Variant of Uncertain Significance due to insufficient evidence: This missense variant replaces asparagine with tyrosine at codon 124 of the MYL3 protein. Computational prediction tools and conservation analyses are inconclusive regarding the impact of this variant on the protein function. Computational splicing tools suggest that this variant may not impact RNA splicing. To our knowledge, functional assays have not been performed for this variant nor has this variant been reported in individuals affected with cardiovascular disorders in the literature. This variant is rare in the general population and has been identified in 0/277264 chromosomes by the Genome Aggregation Database (gnomAD). Available evidence is insufficient to determine the role of this variant in disease conclusively.

This study involves interpretation of variants in research participants for the purpose of population health screening. Participant phenotype was not available at the time of variant classification. Additional details can be found in publication PMID: 35346344, PMCID: PMC8962531

Ambry Genetics
Classification: Uncertain significance for Cardiovascular phenotype. Last evaluated: 2021-12-16. Review status: criteria provided, single submitter. Criteria: Ambry Variant Classification Scheme 2023. Collection method: clinical testing. Allele origin: germline.
Comment: The p.N124Y variant (also known as c.370A>T), located in coding exon 4 of the MYL3 gene, results from an A to T substitution at nucleotide position 370. The asparagine at codon 124 is replaced by tyrosine, an amino acid with dissimilar properties. This amino acid position is conserved. In addition, this alteration is predicted to be tolerated by in silico analysis. Since supporting evidence is limited at this time, the clinical significance of this alteration remains unclear.

NM_000258.3(MYL3):c.370A>T (p.Asn124Tyr)

Gene: MYL3 (myosin light chain 3; minus strand). Cytogenetic location: 3p21.31.
Variant type: single nucleotide variant.
Coding change: c.370A>T on transcript NM_000258.3 (MANE Select); coding-DNA position 370, A replaced by T.
Protein change: p.Asn124Tyr; replaces asparagine 124 with tyrosine.
Molecular consequence: missense variant.
Genome position (GRCh38, 1-based): chr3:46,859,586, T>A on the plus strand (A>T on the coding strand, the complement: MYL3 is on the minus strand). VCF-style: chr3-46859586-T-A. GRCh37 (hg19) VCF-style: chr3-46901076-T-A.
Other names: short protein forms N124Y.
Identifiers: ClinVar variation 927180 (VCV000927180.8), dbSNP rs1278498849, ClinGen allele CA352496384.